The following is an entry in ClinVar:

NM_170707.4(LMNA):c.985C>T (p.Arg329Cys)

Gene: LMNA (lamin A/C; plus strand). Cytogenetic location: 1q22.
Variant type: single nucleotide variant.
Coding change: c.985C>T on transcript NM_170707.4 (MANE Select); coding-DNA position 985, C replaced by T.
Protein change: p.Arg329Cys; replaces arginine 329 with cysteine.
Molecular consequence: missense variant.
Genome position (GRCh38, 1-based): chr1:156,135,949, C>T. VCF-style: chr1-156135949-C-T. GRCh37 (hg19) VCF-style: chr1-156105740-C-T.
Other names: c.649C>T, p.Arg217Cys (NM_001257374.3); c.742C>T, p.Arg248Cys (NM_001282624.2); c.985C>T, p.Arg329Cys (NM_001282625.2, NM_001282626.2, NM_005572.4 and 1 more transcripts); short protein forms R329C, R248C, R217C.
Identifiers: ClinVar variation 502552 (VCV000502552.22), dbSNP rs775159300, ClinGen allele CA342820127.

ClinVar aggregate classification (germline): Uncertain significance. Review status: criteria provided, multiple submitters, no conflicts (2 of 4 stars). 8 submissions from 8 submitters: Uncertain significance (8). Last evaluated 2026-04-15.

Conditions:
Cardiovascular phenotype. Identifiers: MedGen CN230736.
Charcot-Marie-Tooth disease type 2. Also called: Charcot-Marie-Tooth type 2. Identifiers: Orphanet 64746, MedGen C0270914, MONDO:0018993.
Primary dilated cardiomyopathy (DCM). Also called: Dilated Cardiomyopathy. Identifiers: Orphanet 217604, MedGen C0007193, MeSH D002311, MONDO:0005021, HP:0001644. Inheritance: Various modes of inheritance.
Cardiomyopathy (CMYO). Also called: Cardiomyopathies. Identifiers: Orphanet 167848, MedGen C0878544, MONDO:0004994, HP:0001638. Inheritance: Various modes of inheritance.

Allele frequency attached by ClinVar (database versions not stated): TOPMed 0.00001.
gnomAD v4.1: 14 of 1,613,922 alleles (0.00087%); highest among the groups gnomAD compares: Middle Eastern, 0.017%; no homozygotes.

Submissions (8):

Women's Health and Genetics/Laboratory Corporation of America, LabCorp
Classification: Uncertain significance. Last evaluated: 2026-04-15. Review status: criteria provided, single submitter. Criteria: LabCorp Variant Classification Summary - May 2015. Collection method: clinical testing. Allele origin: germline.
Comment: Variant summary: LMNA c.985C>T (p.Arg329Cys) results in a non-conservative amino acid change in the encoded protein sequence. Algorithms developed to predict the effect of missense changes on protein structure and function all suggest that this variant is likely to be disruptive. The variant allele was found at a frequency of 4e-06 in 249934 control chromosomes. The available data on variant occurrences in the general population are insufficient to allow any conclusion about variant significance. c.985C>T has been observed in an individual affected with multiple LV arrhythmias (Piccoli_2017). These report(s) do not provide unequivocal conclusions about association of the variant with Cardiomyopathy. Co-occurrence with a pathogenic variant has been reported (SCN5A c.3985G>A, p.Ala1329Thr), providing supporting evidence for a benign role. To our knowledge, no experimental evidence demonstrating an impact on protein function has been reported. The following publication have been ascertained in the context of this evaluation (PMID: 28118183). ClinVar contains an entry for this variant (Variation ID: 502552). Based on the evidence outlined above, the variant was classified as uncertain significance.

Labcorp Genetics (formerly Invitae), Labcorp
Classification: Uncertain significance for Charcot-Marie-Tooth disease type 2. Last evaluated: 2025-03-03. Review status: criteria provided, single submitter. Criteria: Invitae Variant Classification Sherloc (09022015). Collection method: clinical testing. Allele origin: germline.
Comment: This sequence change replaces arginine, which is basic and polar, with cysteine, which is neutral and slightly polar, at codon 329 of the LMNA protein (p.Arg329Cys). This variant is present in population databases (no rsID available, gnomAD 0.003%). This variant has not been reported in the literature in individuals affected with LMNA-related conditions. ClinVar contains an entry for this variant (Variation ID: 502552). Invitae Evidence Modeling of protein sequence and biophysical properties (such as structural, functional, and spatial information, amino acid conservation, physicochemical variation, residue mobility, and thermodynamic stability) indicates that this missense variant is expected to disrupt LMNA protein function with a positive predictive value of 95%. In summary, the available evidence is currently insufficient to determine the role of this variant in disease. Therefore, it has been classified as a Variant of Uncertain Significance.

All of Us Research Program, National Institutes of Health
Classification: Uncertain significance for Primary dilated cardiomyopathy. Last evaluated: 2024-05-17. Review status: criteria provided, single submitter. Criteria: ACMG Guidelines, 2015. Collection method: clinical testing. Allele origin: germline. Inheritance: Autosomal dominant inheritance. Observed: 6 variant alleles, 6 heterozygotes.
Comment: This missense variant replaces arginine with cysteine at codon 329 of the lamin A/C protein. Computational prediction tools and conservation analyses are inconclusive regarding the impact of this variant on the protein function. Computational splicing tools suggest that this variant may not impact RNA splicing. To our knowledge, functional assays have not been performed for this variant. This variant has been reported in an individual affected with long QT syndrome, who also carried a pathogenic variant in the SCN5A gene (PMID: 28118183). This variant has been identified in 1/249934 chromosomes in the general population by the Genome Aggregation Database (gnomAD). Available evidence is insufficient to determine the role of this variant in disease conclusively. Therefore, this variant is classified as a Variant of Uncertain Significance.

This study involves interpretation of variants in research participants for the purpose of population health screening. Participant phenotype was not available at the time of variant classification. Additional details can be found in publication PMID: 35346344, PMCID: PMC8962531

Color Diagnostics, LLC DBA Color Health
Classification: Uncertain significance for Cardiomyopathy. Last evaluated: 2024-03-25. Review status: criteria provided, single submitter. Criteria: ACMG Guidelines, 2015. Collection method: clinical testing. Allele origin: germline.
Comment: This missense variant replaces arginine with cysteine at codon 329 of the LMNA protein. Computational prediction tools indicate that this variant's impact on protein structure and function is inconclusive. To our knowledge, functional studies have not been reported for this variant. This variant has been reported in one individual affected with long QT syndrome, who also carried a pathogenic variant in the SCN5A gene (PMID: 28118183). This variant has been identified in 1/249934 chromosomes in the general population by the Genome Aggregation Database (gnomAD). The available evidence is insufficient to determine the role of this variant in disease conclusively. Therefore, this variant is classified as a Variant of Uncertain Significance.

Blueprint Genetics
Classification: Uncertain significance. Last evaluated: 2023-12-22. Review status: criteria provided, single submitter. Criteria: ACMG Guidelines, 2015. Collection method: clinical testing. Allele origin: germline.

Ambry Genetics
Classification: Uncertain significance for Cardiovascular phenotype. Last evaluated: 2022-12-14. Review status: criteria provided, single submitter. Criteria: Ambry Variant Classification Scheme 2023. Collection method: clinical testing. Allele origin: germline.
Comment: The p.R329C variant (also known as c.985C>T), located in coding exon 6 of the LMNA gene, results from a C to T substitution at nucleotide position 985. The arginine at codon 329 is replaced by cysteine, an amino acid with highly dissimilar properties. This amino acid position is highly conserved in available vertebrate species. In addition, this alteration is predicted to be deleterious by in silico analysis. Since supporting evidence is limited at this time, the clinical significance of this alteration remains unclear.

GeneDx
Classification: Uncertain significance. Last evaluated: 2018-05-10. Review status: criteria provided, single submitter. Criteria: GeneDx Variant Classification (06012015). Collection method: clinical testing. Allele origin: germline. Affected: yes.
Comment: The R329C variant has been reported previously in an individual with long QT syndrome; however, this individual also had a pathogenic variant in the SCN5A gene identified (Piccoli et al., 2017). The R329C variant is observed in 1/33568 (0.003%) alleles from individuals of Latino background (Lek et al., 2016). The R329C variant is a non-conservative amino acid substitution, which is likely to impact secondary protein structure as these residues differ in polarity, charge, size and/or other properties. The R329C variant is located within the alpha-helical rod domain (Bonne et al., 2000). In-silico analyses, including protein predictors and evolutionary conservation, support a deleterious effect. Therefore, based on the currently available information, it is unclear whether this variant is a pathogenic variant or a rare benign variant.

Eurofins Ntd Llc (ga)
Classification: Uncertain significance. Last evaluated: 2017-06-26. Review status: criteria provided, single submitter. Criteria: EGL Classification Definitions 2015. Collection method: clinical testing. Allele origin: germline. Observed: 1 variant allele, 1 heterozygote.

Literature cited by the submitters: PubMed 28118183 (cited by 3 submitters).